The following is an entry in ClinVar:

NM_032436.4(CHAMP1):c.1945C>T (p.Gln649Ter)

Gene: CHAMP1 (chromosome alignment maintaining phosphoprotein 1; plus strand). Cytogenetic location: 13q34.
Variant type: single nucleotide variant.
Coding change: c.1945C>T on transcript NM_032436.4 (MANE Select); coding-DNA position 1945, C replaced by T.
Protein change: p.Gln649Ter; replaces glutamine 649 with a stop codon.
Molecular consequence: nonsense.
Genome position (GRCh38, 1-based): chr13:114,325,787, C>T. VCF-style: chr13-114325787-C-T. GRCh37 (hg19) VCF-style: chr13-115091262-C-T.
Other names: c.1945C>T, p.Gln649Ter (NM_001164144.3, NM_001164145.3); short protein forms Q649*.
Identifiers: ClinVar variation 217910 (VCV000217910.1), dbSNP rs863225078, ClinGen allele CA325484.

ClinVar aggregate classification (germline): Pathogenic (1 of 4 stars; one submission).

Submission:

GeneDx
Classification: Pathogenic. Last evaluated: 2015-10-16. Review status: criteria provided, single submitter. Criteria: GeneDx Variant Classification (06012015). Collection method: clinical testing. Allele origin: germline. Affected: yes.
Comment: p.Gln649Ter (CAG>TAG): c.1945 C>T in exon 3 in the CHAMP1 gene (NM_001164144.1). The Q649X pathogenic variant in the CHAMP1 gene has not been reported previously as a pathogenic variant nor as a benign variant, to our knowledge. This variant is predicted to cause loss of normal protein function through protein truncation. The Q649X variant was not observed in approximately 6,500 individuals of European and African American ancestry in the NHLBI Exome Sequencing Project, indicating it is not a common benign variant in these populations. We interpret Q649X as a pathogenic variant.